The following is an entry in ClinVar:

ClinVar aggregate classification (germline): Uncertain significance. Review status: criteria provided, multiple submitters, no conflicts (2 of 4 stars). 2 submissions from 2 submitters: Uncertain significance (2). Last evaluated 2025-04-08.

Conditions:
Charcot-Marie-Tooth disease axonal type 2Z. Also called: CHARCOT-MARIE-TOOTH DISEASE, AXONAL, AUTOSOMAL DOMINANT, TYPE 2Z; CHARCOT-MARIE-TOOTH NEUROPATHY, TYPE 2Z. Identifiers: Orphanet 466768, MedGen C5569025, MONDO:0014736, OMIM 616688.

gnomAD v4.1: 3 of 1,614,130 alleles (0.00019%); highest among the groups gnomAD compares: Non-Finnish European, 0.00025%; no homozygotes.

Submissions (2):

Mayo Clinic Laboratories, Mayo Clinic
Classification: Uncertain significance. Last evaluated: 2025-04-08. Review status: criteria provided, single submitter. Criteria: ACMG Guidelines, 2015. Collection method: clinical testing. Allele origin: germline. Observed: 1 variant allele.
Comment: BP4_moderate

Labcorp Genetics (formerly Invitae), Labcorp
Classification: Uncertain significance for Charcot-Marie-Tooth disease axonal type 2Z. Last evaluated: 2025-02-06. Review status: criteria provided, single submitter. Criteria: Invitae Variant Classification Sherloc (09022015). Collection method: clinical testing. Allele origin: germline.
Comment: This sequence change replaces leucine, which is neutral and non-polar, with proline, which is neutral and non-polar, at codon 695 of the MORC2 protein (p.Leu695Pro). This variant is not present in population databases (gnomAD no frequency). This variant has not been reported in the literature in individuals affected with MORC2-related conditions. Invitae Evidence Modeling of protein sequence and biophysical properties (such as structural, functional, and spatial information, amino acid conservation, physicochemical variation, residue mobility, and thermodynamic stability) indicates that this missense variant is not expected to disrupt MORC2 protein function with a negative predictive value of 95%. In summary, the available evidence is currently insufficient to determine the role of this variant in disease. Therefore, it has been classified as a Variant of Uncertain Significance.

NM_001303256.3(MORC2):c.2084T>C (p.Leu695Pro)

Gene: MORC2 (MORC family CW-type zinc finger 2; minus strand). Cytogenetic location: 22q12.2.
Variant type: single nucleotide variant.
Coding change: c.2084T>C on transcript NM_001303256.3 (MANE Select); coding-DNA position 2084, T replaced by C.
Protein change: p.Leu695Pro; replaces leucine 695 with proline.
Molecular consequence: missense variant.
Genome position (GRCh38, 1-based): chr22:30,934,890, A>G on the plus strand (T>C on the coding strand, the complement: MORC2 is on the minus strand). VCF-style: chr22-30934890-A-G. GRCh37 (hg19) VCF-style: chr22-31330877-A-G.
Other names: p.Leu695Pro; c.2084T>C, p.Leu695Pro (NM_001303257.2); c.1898T>C, p.Leu633Pro (NM_014941.3); short protein forms L633P, L695P.
Identifiers: ClinVar variation 4542442 (VCV004542442.2).